The following is an entry in ClinVar:

NM_019032.6(ADAMTSL4):c.803C>T (p.Ser268Phe)

Genes: ADAMTSL4 (ADAMTS like 4; plus strand), ADAMTSL4-AS2 (ADAMTSL4 antisense RNA 2; minus strand). Cytogenetic location: 1q21.2.
Variant type: single nucleotide variant.
Coding change: c.803C>T on transcript NM_019032.6 (MANE Select); coding-DNA position 803, C replaced by T.
Protein change: p.Ser268Phe; replaces serine 268 with phenylalanine.
Molecular consequence: missense variant.
Genome position (GRCh38, 1-based): chr1:150,553,794, C>T. VCF-style: chr1-150553794-C-T. GRCh37 (hg19) VCF-style: chr1-150526270-C-T.
Other names: c.803C>T, p.Ser268Phe (NM_001288607.2, NM_001288608.2, NM_001378596.1 and 1 more transcripts); short protein forms S268F.
Identifiers: ClinVar variation 717808 (VCV000717808.43), dbSNP rs41317517, ClinGen allele CA1078043.
Genomic context (GRCh38, chr1:150,553,794, plus strand): 5'-CCCTACGGCATCACCCCAGAGCCCAGGCCTCTGGCACAGAGCCCCCCTCACCCACGCACT[C>T]CTTAGGAGAAGGTGGCTTCTTCCGTGCATCCCCTCAGCCACGAAGGCCAAGTTCCCAGGG-3'
Protein context (NP_061905.2, residues 258-278): SGTEPPSPTH[Ser268Phe]LGEGGFFRAS

ClinVar aggregate classification (germline): Benign/Likely benign. Review status: criteria provided, multiple submitters, no conflicts (2 of 4 stars). 8 submissions from 7 submitters: Benign (3); Likely benign (5). Last evaluated 2026-04-01.

Conditions:
Ectopia lentis 2, isolated, autosomal recessive (ECTOL2). Identifiers: Orphanet 1885, MedGen C3541474, MONDO:0009152, OMIM 225100.
Ectopia lentis et pupillae. Also called: ECTOPIA LENTIS WITH ECTOPIA OF PUPIL. Identifiers: Orphanet 1885, MedGen C1644196, MONDO:0009153, OMIM 225200.

Allele frequency attached by ClinVar (database versions not stated): 1000 Genomes Project 0.00339; 1000 Genomes Project 30x 0.00375; TOPMed 0.00780; gnomAD 0.00795 and 0.00813; ExAC 0.00850; gnomAD exomes 0.00862 and 0.00983; ESP Exome Variant Server 0.00892.
gnomAD v4.1: 15,616 of 1,614,042 alleles (0.97%); highest among the groups gnomAD compares: Middle Eastern, 1.1%; 94 homozygotes.

Submissions (8):

CeGaT Center for Human Genetics Tuebingen
Classification: Benign. Last evaluated: 2026-04-01. Review status: criteria provided, single submitter. Criteria: CeGaT Center For Human Genetics Tuebingen Variant Classification Criteria Version 2. Collection method: clinical testing. Allele origin: germline. Affected: yes. Observed: 5 variant alleles.
Comment: ADAMTSL4: BP4, BS1, BS2

Labcorp Genetics (formerly Invitae), Labcorp
Classification: Benign. Last evaluated: 2026-02-01. Review status: criteria provided, single submitter. Criteria: Invitae Variant Classification Sherloc (09022015). Collection method: clinical testing. Allele origin: germline.

Blueprint Genetics
Classification: Likely benign. Last evaluated: 2024-11-15. Review status: criteria provided, single submitter. Criteria: ACMG Guidelines, 2015. Collection method: clinical testing. Allele origin: germline.

GeneDx
Classification: Likely benign. Last evaluated: 2024-09-10. Review status: criteria provided, single submitter. Criteria: GeneDx Variant Classification Process June 2021. Collection method: clinical testing. Allele origin: germline. Affected: yes.
Comment: See Variant Classification Assertion Criteria.

Genome-Nilou Lab
Classification: Likely benign for Ectopia lentis et pupillae. Last evaluated: 2023-04-11. Review status: criteria provided, single submitter. Criteria: ACMG Guidelines, 2015. Collection method: clinical testing. Allele origin: germline. Affected: no.

Genome-Nilou Lab
Classification: Likely benign for Ectopia lentis 2, isolated, autosomal recessive. Last evaluated: 2023-04-11. Review status: criteria provided, single submitter. Criteria: ACMG Guidelines, 2015. Collection method: clinical testing. Allele origin: germline. Affected: no.

Illumina Laboratory Services, Illumina
Classification: Benign for Ectopia lentis 2, isolated, autosomal recessive. Last evaluated: 2018-01-13. Review status: criteria provided, single submitter. Criteria: ICSL Variant Classification Criteria 13 December 2019. Collection method: clinical testing. Allele origin: germline.
Comment: This variant was observed in the ICSL laboratory as part of a predisposition screen in an ostensibly healthy population. It had not been previously curated by ICSL or reported in the Human Gene Mutation Database (HGMD: prior to June 1st, 2018), and was therefore a candidate for classification through an automated scoring system. Utilizing variant allele frequency, disease prevalence and penetrance estimates, and inheritance mode, an automated score was calculated to assess if this variant is too frequent to cause the disease. Based on the score and internal cut-off values, a variant classified as benign is not then subjected to further curation. The score for this variant resulted in a classification of benign for this disease.

Breakthrough Genomics
Classification: Likely benign. Review status: criteria provided, single submitter. Criteria: ACMG Guidelines, 2015. Collection method: not provided. Allele origin: germline. Inheritance: Autosomal recessive inheritance. Affected: yes.